The following is an entry in ClinVar:

NM_014845.6(FIG4):c.2058del (p.Phe686fs)

Gene: FIG4 (FIG4 phosphoinositide 5-phosphatase; plus strand). Cytogenetic location: 6q21.
Variant type: Deletion.
Coding change: c.2058del on transcript NM_014845.6 (MANE Select); coding-DNA position 2058, one base deleted (T; older notation c.2058delT).
Protein change: p.Phe686fs; shifts the reading frame from phenylalanine 686.
Molecular consequence: frameshift variant.
Genome position (GRCh38, 1-based): chr6:109,786,411, T deleted; the last of 3 consecutive T bases (chr6:109,786,409-109,786,411); deleting any one gives the same sequence. VCF-style (leftmost placement, unchanged base first): chr6-109786408-CT-C. GRCh37 (hg19) VCF-style: chr6-110107611-CT-C.
Other names: short protein forms F686fs.
Identifiers: ClinVar variation 3632599 (VCV003632599.2).

ClinVar aggregate classification (germline): Pathogenic (1 of 4 stars; one submission).

Conditions:
Charcot-Marie-Tooth disease type 4. Also called: Charcot-Marie-Tooth disease, type IV; Charcot-Marie-Tooth, Type 4. Identifiers: Orphanet 64749, MedGen C4082197, MONDO:0018995.

Submission:

Labcorp Genetics (formerly Invitae), Labcorp
Classification: Pathogenic for Charcot-Marie-Tooth disease type 4. Last evaluated: 2024-08-12. Review status: criteria provided, single submitter. Criteria: Invitae Variant Classification Sherloc (09022015). Collection method: clinical testing. Allele origin: germline.
Comment: This sequence change creates a premature translational stop signal (p.Phe686Leufs*9) in the FIG4 gene. It is expected to result in an absent or disrupted protein product. Loss-of-function variants in FIG4 are known to be pathogenic (PMID: 23623387, 30740813). This variant is not present in population databases (gnomAD no frequency). This variant has not been reported in the literature in individuals affected with FIG4-related conditions. For these reasons, this variant has been classified as Pathogenic.

Literature cited by the submitters: PubMed 23623387; PubMed 30740813.